The following is an entry in ClinVar:

ClinVar aggregate classification (germline): Uncertain significance (1 of 4 stars; one submission).

Conditions:
Maple syrup urine disease, mild variant (MSUDMV). Identifiers: Orphanet 511, MedGen C3554575, MONDO:0014057, OMIM 615135.

Submission:

Labcorp Genetics (formerly Invitae), Labcorp
Classification: Uncertain significance for Maple syrup urine disease, mild variant. Last evaluated: 2025-03-04. Review status: criteria provided, single submitter. Criteria: Invitae Variant Classification Sherloc (09022015). Collection method: clinical testing. Allele origin: germline.
Comment: This sequence change replaces isoleucine, which is neutral and non-polar, with threonine, which is neutral and polar, at codon 71 of the PPM1K protein (p.Ile71Thr). This variant is not present in population databases (gnomAD no frequency). This variant has not been reported in the literature in individuals affected with PPM1K-related conditions. An algorithm developed to predict the effect of missense changes on protein structure and function (PolyPhen-2) suggests that this variant is likely to be tolerated. In summary, the available evidence is currently insufficient to determine the role of this variant in disease. Therefore, it has been classified as a Variant of Uncertain Significance.

NM_152542.5(PPM1K):c.212T>C (p.Ile71Thr)

Gene: PPM1K (protein phosphatase, Mg2+/Mn2+ dependent 1K; minus strand). Cytogenetic location: 4q22.1.
Variant type: single nucleotide variant.
Coding change: c.212T>C on transcript NM_152542.5 (MANE Select); coding-DNA position 212, T replaced by C.
Protein change: p.Ile71Thr; replaces isoleucine 71 with threonine.
Molecular consequence: missense variant.
Genome position (GRCh38, 1-based): chr4:88,278,372, A>G on the plus strand (T>C on the coding strand, the complement: PPM1K is on the minus strand). VCF-style: chr4-88278372-A-G. GRCh37 (hg19) VCF-style: chr4-89199524-A-G.
Other names: short protein forms I71T.
Identifiers: ClinVar variation 4808990 (VCV004808990.1).